The following is an entry in ClinVar:

ClinVar aggregate classification (germline): Uncertain significance. Review status: criteria provided, multiple submitters, no conflicts (2 of 4 stars). 2 submissions from 2 submitters: Uncertain significance (2). Last evaluated 2024-03-19.

Conditions:
RYR1-related disorder. Also called: RYR1-related condition; RYR1-related disorders. Identifiers: MedGen CN239331.
Inborn genetic diseases. Identifiers: MedGen C0950123, MeSH D030342.

Submissions (2):

Ambry Genetics
Classification: Uncertain significance for Inborn genetic diseases. Last evaluated: 2024-03-19. Review status: criteria provided, single submitter. Criteria: Ambry Variant Classification Scheme 2023. Collection method: clinical testing. Allele origin: germline.

Labcorp Genetics (formerly Invitae), Labcorp
Classification: Uncertain significance for RYR1-related disorder. Last evaluated: 2022-07-12. Review status: criteria provided, single submitter. Criteria: Invitae Variant Classification Sherloc (09022015). Collection method: clinical testing. Allele origin: germline.
Comment: This sequence change replaces threonine, which is neutral and polar, with methionine, which is neutral and non-polar, at codon 4285 of the RYR1 protein (p.Thr4285Met). The frequency data for this variant in the population databases is considered unreliable, as metrics indicate insufficient coverage at this position in the gnomAD database. This variant has not been reported in the literature in individuals affected with RYR1-related conditions. ClinVar contains an entry for this variant (Variation ID: 1364126). Advanced modeling of protein sequence and biophysical properties (such as structural, functional, and spatial information, amino acid conservation, physicochemical variation, residue mobility, and thermodynamic stability) performed at Invitae indicates that this missense variant is not expected to disrupt RYR1 protein function. In summary, the available evidence is currently insufficient to determine the role of this variant in disease. Therefore, it has been classified as a Variant of Uncertain Significance.

NM_000540.3(RYR1):c.12854C>T (p.Thr4285Met)

Gene: RYR1 (ryanodine receptor 1; plus strand). Cytogenetic location: 19q13.2.
Variant type: single nucleotide variant.
Coding change: c.12854C>T on transcript NM_000540.3 (MANE Select); coding-DNA position 12854, C replaced by T.
Protein change: p.Thr4285Met; replaces threonine 4285 with methionine.
Molecular consequence: missense variant.
Genome position (GRCh38, 1-based): chr19:38,565,188, C>T. VCF-style: chr19-38565188-C-T. GRCh37 (hg19) VCF-style: chr19-39055828-C-T.
Other names: c.12839C>T, p.Thr4280Met (NM_001042723.2); c.12854C>T (NM_000540.2); short protein forms T4280M, T4285M.
Identifiers: ClinVar variation 1364126 (VCV001364126.6), dbSNP rs2145844223, ClinGen allele CA405672337.
Genomic context (GRCh38, chr19:38,565,188, plus strand): 5'-CGGGCGCGGCGGAGGCGGGCGCGGAAGGCGCGGAGGAGGGCGCGGCGGGGCTCGAGGGCA[C>T]GGCGGCCACGGCGGCGGCGGGGGCGACGGCGCGGGTTGTGGCGGCCGCAGGCCGGGCCCT-3'
Protein context (NP_000531.2, residues 4275-4295): AEEGAAGLEG[Thr4285Met]AATAAAGATA